The following is an entry in ClinVar:

ClinVar aggregate classification (germline): Uncertain significance. Review status: criteria provided, multiple submitters, no conflicts (2 of 4 stars). 2 submissions from 2 submitters: Uncertain significance (2). Last evaluated 2026-05-18.

Conditions:
BAP1-related tumor predisposition syndrome (TPDS1). Also called: Tumor susceptibility linked to germline BAP1 mutations; COMMON Syndrome; TUMOR PREDISPOSITION SYNDROME 1; BAP1 tumor predisposition syndrome. Identifiers: Orphanet 289539, MedGen C3280492, MONDO:0013692, OMIM 614327.
Hereditary cancer-predisposing syndrome. Also called: Tumor predisposition; Hereditary neoplastic syndrome; Neoplastic Syndromes, Hereditary; Hereditary Cancer Syndrome. Identifiers: Orphanet 140162, MedGen C0027672, MeSH D009386, MONDO:0015356.

Submissions (2):

Ambry Genetics
Classification: Uncertain significance for Hereditary cancer-predisposing syndrome. Last evaluated: 2026-05-18. Review status: criteria provided, single submitter. Criteria: Ambry Variant Classification Scheme 2023. Collection method: clinical testing. Allele origin: germline.
Comment: The p.L688P variant (also known as c.2063T>C), located in coding exon 17 of the BAP1 gene, results from a T to C substitution at nucleotide position 2063. The leucine at codon 688 is replaced by proline, an amino acid with similar properties. This amino acid position is conserved. In addition, this alteration is predicted to be deleterious by in silico analysis. Based on the available evidence, the clinical significance of this variant remains unclear.

Labcorp Genetics (formerly Invitae), Labcorp
Classification: Uncertain significance for BAP1-related tumor predisposition syndrome. Last evaluated: 2025-11-10. Review status: criteria provided, single submitter. Criteria: Invitae Variant Classification Sherloc (09022015). Collection method: clinical testing. Allele origin: germline.
Comment: This sequence change replaces leucine, which is neutral and non-polar, with proline, which is neutral and non-polar, at codon 688 of the BAP1 protein (p.Leu688Pro). This variant is not present in population databases (gnomAD no frequency). This variant has not been reported in the literature in individuals affected with BAP1-related conditions. ClinVar contains an entry for this variant (Variation ID: 2723398). Invitae Evidence Modeling of protein sequence and biophysical properties (such as structural, functional, and spatial information, amino acid conservation, physicochemical variation, residue mobility, and thermodynamic stability) indicates that this missense variant is expected to disrupt BAP1 protein function with a positive predictive value of 80%. In summary, the available evidence is currently insufficient to determine the role of this variant in disease. Therefore, it has been classified as a Variant of Uncertain Significance.

NM_004656.4(BAP1):c.2063T>C (p.Leu688Pro)

Gene: BAP1 (BRCA1 associated deubiquitinase 1; minus strand). Cytogenetic location: 3p21.1.
Variant type: single nucleotide variant.
Coding change: c.2063T>C on transcript NM_004656.4 (MANE Select); coding-DNA position 2063, T replaced by C.
Protein change: p.Leu688Pro; replaces leucine 688 with proline.
Molecular consequence: missense variant.
Genome position (GRCh38, 1-based): chr3:52,402,415, A>G on the plus strand (T>C on the coding strand, the complement: BAP1 is on the minus strand). VCF-style: chr3-52402415-A-G. GRCh37 (hg19) VCF-style: chr3-52436431-A-G.
Other names: c.2009T>C, p.Leu670Pro (NM_001410772.1); short protein forms L670P, L688P.
Identifiers: ClinVar variation 2723398 (VCV002723398.4), dbSNP rs2471319170, ClinGen allele CA353094552.
Genomic context (GRCh38, chr3:52,402,415, plus strand): 5'-CGGCCGATGCTGACCCCTTGGCGCCGCCGCACGGAGATGTTCTGCTCCACTAGGTTGGCC[A>G]GCATGCCTGCGAAGAGGTAGAGACCCTTGAGCAGGTGCTGGCTGCCTCAGGCCAGGAGCT-3'
Protein context (NP_004647.1, residues 678-698): FISMLAQEGM[Leu688Pro]ANLVEQNISV